The following is an entry in ClinVar:

ClinVar aggregate classification (germline): Uncertain significance (1 of 4 stars; one submission).

Submission:

Labcorp Genetics (formerly Invitae), Labcorp
Classification: Uncertain significance. Last evaluated: 2023-12-19. Review status: criteria provided, single submitter. Criteria: Invitae Variant Classification Sherloc (09022015). Collection method: clinical testing. Allele origin: germline.
Comment: This sequence change replaces isoleucine, which is neutral and non-polar, with methionine, which is neutral and non-polar, at codon 878 of the MYO18B protein (p.Ile878Met). This variant is not present in population databases (gnomAD no frequency). This variant has not been reported in the literature in individuals affected with MYO18B-related conditions. An algorithm developed to predict the effect of missense changes on protein structure and function (PolyPhen-2) suggests that this variant is likely to be disruptive. In summary, the available evidence is currently insufficient to determine the role of this variant in disease. Therefore, it has been classified as a Variant of Uncertain Significance.

NM_032608.7(MYO18B):c.2634C>G (p.Ile878Met)

Gene: MYO18B (myosin XVIIIB; plus strand). Cytogenetic location: 22q12.1.
Variant type: single nucleotide variant.
Coding change: c.2634C>G on transcript NM_032608.7 (MANE Select); coding-DNA position 2634, C replaced by G.
Protein change: p.Ile878Met; replaces isoleucine 878 with methionine.
Molecular consequence: missense variant.
Genome position (GRCh38, 1-based): chr22:25,823,617, C>G. VCF-style: chr22-25823617-C-G. GRCh37 (hg19) VCF-style: chr22-26219584-C-G.
Other names: c.2634C>G, p.Ile878Met (NM_001318245.2); short protein forms I878M.
Identifiers: ClinVar variation 3009575 (VCV003009575.3), dbSNP rs866173516, ClinGen allele CA410998937.